The following is an entry in ClinVar:

NM_020928.2(ZSWIM6):c.1948G>A (p.Asp650Asn)

Gene: ZSWIM6 (zinc finger SWIM-type containing 6; plus strand). Cytogenetic location: 5q12.1.
Variant type: single nucleotide variant.
Coding change: c.1948G>A on transcript NM_020928.2 (MANE Select); coding-DNA position 1948, G replaced by A.
Protein change: p.Asp650Asn; replaces aspartic acid 650 with asparagine.
Molecular consequence: missense variant.
Genome position (GRCh38, 1-based): chr5:61,530,162, G>A. VCF-style: chr5-61530162-G-A. GRCh37 (hg19) VCF-style: chr5-60825989-G-A.
Other names: short protein forms D650N.
Identifiers: ClinVar variation 4738960 (VCV004738960.1).

ClinVar aggregate classification (germline): Uncertain significance (1 of 4 stars; one submission).

Submission:

Labcorp Genetics (formerly Invitae), Labcorp
Classification: Uncertain significance. Last evaluated: 2025-11-08. Review status: criteria provided, single submitter. Criteria: Invitae Variant Classification Sherloc (09022015). Collection method: clinical testing. Allele origin: germline.
Comment: This sequence change replaces aspartic acid, which is acidic and polar, with asparagine, which is neutral and polar, at codon 650 of the ZSWIM6 protein (p.Asp650Asn). This variant is not present in population databases (gnomAD no frequency). This variant has not been reported in the literature in individuals affected with ZSWIM6-related conditions. Invitae Evidence Modeling of protein sequence and biophysical properties (such as structural, functional, and spatial information, amino acid conservation, physicochemical variation, residue mobility, and thermodynamic stability) indicates that this missense variant is not expected to disrupt ZSWIM6 protein function with a negative predictive value of 80%. In summary, the available evidence is currently insufficient to determine the role of this variant in disease. Therefore, it has been classified as a Variant of Uncertain Significance.